The following is an entry in ClinVar:

ClinVar aggregate classification (germline): Conflicting classifications of pathogenicity. Review status: criteria provided, conflicting classifications (1 of 4 stars). 9 submissions from 9 submitters: Uncertain significance (5); Likely benign (2). 2 of the submissions do not count toward it. Last evaluated 2024-05-31.

Conditions:
Microcephaly, normal intelligence and immunodeficiency (NBS). Also called: IMMUNODEFICIENCY, MICROCEPHALY, AND CHROMOSOMAL INSTABILITY; SEEMANOVA SYNDROME II; Immunodeficiency, microcephaly with normal intelligence; BERLIN BREAKAGE SYNDROME; Nijmegen breakage syndrome; Microcephaly with normal intelligence immunodeficiency and lymphoreticular malignancies. Identifiers: Orphanet 647, MedGen C0398791, MONDO:0009623, OMIM 251260.
Hereditary cancer-predisposing syndrome. Also called: Neoplastic Syndromes, Hereditary; Hereditary Cancer Syndrome; Tumor predisposition; Hereditary neoplastic syndrome. Identifiers: Orphanet 140162, MedGen C0027672, MeSH D009386, MONDO:0015356.

Allele frequency attached by ClinVar (database versions not stated): TOPMed 0.00001.
gnomAD v4.1: 18 of 1,612,602 alleles (0.0011%); highest among the groups gnomAD compares: Admixed American, 0.0017%; no homozygotes.

Submissions (9):

Labcorp Genetics (formerly Invitae), Labcorp
Classification: Uncertain significance for Microcephaly, normal intelligence and immunodeficiency. Last evaluated: 2024-05-31. Review status: criteria provided, single submitter. Criteria: Invitae Variant Classification Sherloc (09022015). Collection method: clinical testing. Allele origin: germline.
Comment: This sequence change falls in intron 1 of the NBN gene. It does not directly change the encoded amino acid sequence of the NBN protein. It affects a nucleotide within the consensus splice site. This variant is present in population databases (rs540868733, gnomAD 0.04%). This variant has not been reported in the literature in individuals affected with NBN-related conditions. ClinVar contains an entry for this variant (Variation ID: 239196). Variants that disrupt the consensus splice site are a relatively common cause of aberrant splicing (PMID: 17576681, 9536098). RNA analysis provides insufficient evidence to determine the effect of this variant on NBN splicing (Invitae). In summary, the available evidence is currently insufficient to determine the role of this variant in disease. Therefore, it has been classified as a Variant of Uncertain Significance.

Blueprint Genetics
Classification: Likely benign. Last evaluated: 2024-04-24. Review status: criteria provided, single submitter. Criteria: ACMG Guidelines, 2015. Collection method: clinical testing. Allele origin: germline.

Genome-Nilou Lab
Classification: Uncertain significance for Microcephaly, normal intelligence and immunodeficiency. Last evaluated: 2021-11-07. Review status: criteria provided, single submitter. Criteria: ACMG Guidelines, 2015. Collection method: clinical testing. Allele origin: germline. Affected: no.

GeneDx
Classification: Likely benign. Last evaluated: 2020-05-17. Review status: criteria provided, single submitter. Criteria: GeneDx Variant Classification Process June 2021. Collection method: clinical testing. Allele origin: germline. Affected: yes.

Department of Pathology and Laboratory Medicine, Sinai Health System
Classification: Uncertain significance for Nijmegen breakage syndrome. Last evaluated: 2019-10-03. Review status: criteria provided, single submitter. Criteria: ACMG Guidelines, 2015. Collection method: clinical testing. Allele origin: germline. Affected: no.

Women's Health and Genetics/Laboratory Corporation of America, LabCorp
Classification: Uncertain significance. Last evaluated: 2017-08-16. Review status: criteria provided, single submitter. Criteria: LabCorp Variant Classification Summary - May 2015. Collection method: clinical testing. Allele origin: germline.
Comment: Variant summary: The NBN c.37+6G>C variant involves the alteration of a non-conserved intronic nucleotide. One in silico tool predicts a damaging outcome for this variant. 4/5 splice prediction tools predict no significant impact on normal splicing. Additionally, ESE finder predicts the creation of SF2/ASF and SRp55 binding sites. However, these predictions have yet to be confirmed by functional studies. This variant was found in the large control database ExAC in 2/112342 control chromosomes at a frequency of 0.0000178, which does not exceed the estimated maximal expected allele frequency of a pathogenic NBN variant (0.0025). In addition, one clinical diagnostic laboratory classified this variant as uncertain significance. The variant of interest has not, to our knowledge, been reported in affected individuals via publications and/or reputable databases; nor evaluated for functional impact by in vivo/vitro studies. Because of the absence of clinical information and the lack of functional studies, the variant is classified as a variant of uncertain significance (VUS).

Ambry Genetics
Classification: Uncertain significance for Hereditary cancer-predisposing syndrome. Last evaluated: 2014-11-25. Review status: criteria provided, single submitter. Criteria: Ambry Variant Classification Scheme 2023. Collection method: clinical testing. Allele origin: germline.
Comment: The c.37+6G>C intronic alteration consists of a G to C substitution nucleotides after coding exon 1 in the NBN gene. Based on insufficient or conflicting evidence, the clinical significance of this alteration remains unclear.

Natera, Inc.
Classification: Uncertain significance for Nijmegen breakage syndrome. Last evaluated: 2020-01-24. Review status: no assertion criteria provided. Collection method: clinical testing. Allele origin: germline. Not counted in ClinVar's aggregate classification.

Counsyl
Classification: Uncertain significance for Microcephaly, normal intelligence and immunodeficiency. Last evaluated: 2017-05-15. Review status: no assertion criteria provided. Collection method: clinical testing. Allele origin: unknown. Not counted in ClinVar's aggregate classification.

Literature cited by the submitters: PubMed 17576681 (cited by Labcorp Genetics (formerly Invitae), Labcorp); PubMed 9536098 (cited by Labcorp Genetics (formerly Invitae), Labcorp).

NM_002485.5(NBN):c.37+6G>C

Gene: NBN (nibrin; minus strand). Cytogenetic location: 8q21.3.
Variant type: single nucleotide variant.
Coding change: c.37+6G>C on transcript NM_002485.5 (MANE Select); 6 bases into the intron after coding-DNA position 37, G replaced by C.
Molecular consequence: intron variant.
Genome position (GRCh38, 1-based): chr8:89,984,519, C>G on the plus strand (G>C on the coding strand, the complement: NBN is on the minus strand). VCF-style: chr8-89984519-C-G. GRCh37 (hg19) VCF-style: chr8-90996747-C-G.
Other names: c.-260+6G>C (NM_001024688.3).
Identifiers: ClinVar variation 239196 (VCV000239196.19), dbSNP rs540868733, ClinGen allele CA4803097.